The following is an entry in ClinVar:

NM_001853.4(COL9A3):c.684+6G>T

Gene: COL9A3 (collagen type IX alpha 3 chain; plus strand). Cytogenetic location: 20q13.33.
Variant type: single nucleotide variant.
Coding change: c.684+6G>T on transcript NM_001853.4 (MANE Select); 6 bases into the intron after coding-DNA position 684, G replaced by T.
Molecular consequence: intron variant.
Genome position (GRCh38, 1-based): chr20:62,825,876, G>T. VCF-style: chr20-62825876-G-T. GRCh37 (hg19) VCF-style: chr20-61457228-G-T.
Identifiers: ClinVar variation 1917121 (VCV001917121.5), dbSNP rs931528517, ClinGen allele CA636334319.

ClinVar aggregate classification (germline): Uncertain significance (1 of 4 stars; one submission).

Submission:

Labcorp Genetics (formerly Invitae), Labcorp
Classification: Uncertain significance. Last evaluated: 2022-04-07. Review status: criteria provided, single submitter. Criteria: Invitae Variant Classification Sherloc (09022015). Collection method: clinical testing. Allele origin: germline.
Comment: In summary, the available evidence is currently insufficient to determine the role of this variant in disease. Therefore, it has been classified as a Variant of Uncertain Significance. Variants that disrupt the consensus splice site are a relatively common cause of aberrant splicing (PMID: 17576681, 9536098). Algorithms developed to predict the effect of sequence changes on RNA splicing suggest that this variant is not likely to affect RNA splicing. This variant has not been reported in the literature in individuals affected with COL9A3-related conditions. The frequency data for this variant in the population databases is considered unreliable, as metrics indicate poor data quality at this position in the gnomAD database. This sequence change falls in intron 13 of the COL9A3 gene. It does not directly change the encoded amino acid sequence of the COL9A3 protein. It affects a nucleotide within the consensus splice site.

Literature cited by the submitters: PubMed 17576681; PubMed 9536098.